The following is an entry in ClinVar:

ClinVar aggregate classification (germline): Uncertain significance. Review status: criteria provided, multiple submitters, no conflicts (2 of 4 stars). 2 submissions from 2 submitters: Uncertain significance (2). Last evaluated 2025-12-18.

Conditions:
Neurofibromatosis, type 2 (SWNV). Also called: BILATERAL ACOUSTIC NEUROFIBROMATOSIS; NF2-Related Schwannomatosis; SCHWANNOMATOSIS, VESTIBULAR. Identifiers: Orphanet 637, MedGen C0027832, MONDO:0007039, OMIM 101000. Disease mechanism: loss of function.
Hereditary cancer-predisposing syndrome. Also called: Tumor predisposition; Neoplastic Syndromes, Hereditary; Hereditary Cancer Syndrome; Hereditary neoplastic syndrome. Identifiers: Orphanet 140162, MedGen C0027672, MeSH D009386, MONDO:0015356.

Allele frequency attached by ClinVar (database versions not stated): gnomAD 0.00001; TOPMed 0.00001.
gnomAD v4.1: 1 of 1,610,710 alleles (0.000062%); highest among the groups gnomAD compares: East Asian, 0.0022%; no homozygotes.

Submissions (2):

Ambry Genetics
Classification: Uncertain significance for Hereditary cancer-predisposing syndrome. Last evaluated: 2025-12-18. Review status: criteria provided, single submitter. Criteria: Ambry Variant Classification Scheme 2023. Collection method: clinical testing. Allele origin: germline.
Comment: The p.R411G variant (also known as c.1231C>G), located in coding exon 12 of the NF2 gene, results from a C to G substitution at nucleotide position 1231. The arginine at codon 411 is replaced by glycine, an amino acid with dissimilar properties. This amino acid position is highly conserved in available vertebrate species. In addition, this alteration is predicted to be deleterious by in silico analysis. Based on the available evidence, the clinical significance of this variant remains unclear.

Labcorp Genetics (formerly Invitae), Labcorp
Classification: Uncertain significance for Neurofibromatosis, type 2. Last evaluated: 2023-08-14. Review status: criteria provided, single submitter. Criteria: Invitae Variant Classification Sherloc (09022015). Collection method: clinical testing. Allele origin: germline.
Comment: This sequence change replaces arginine, which is basic and polar, with glycine, which is neutral and non-polar, at codon 411 of the NF2 protein (p.Arg411Gly). This variant is not present in population databases (gnomAD no frequency). This variant has not been reported in the literature in individuals affected with NF2-related conditions. ClinVar contains an entry for this variant (Variation ID: 1398106). Advanced modeling of protein sequence and biophysical properties (such as structural, functional, and spatial information, amino acid conservation, physicochemical variation, residue mobility, and thermodynamic stability) performed at Invitae indicates that this missense variant is expected to disrupt NF2 protein function. In summary, the available evidence is currently insufficient to determine the role of this variant in disease. Therefore, it has been classified as a Variant of Uncertain Significance.

NM_000268.4(NF2):c.1231C>G (p.Arg411Gly)

Gene: NF2 (NF2, moesin-ezrin-radixin like (MERLIN) tumor suppressor; plus strand). Cytogenetic location: 22q12.2.
Variant type: single nucleotide variant.
Coding change: c.1231C>G on transcript NM_000268.4 (MANE Select); coding-DNA position 1231, C replaced by G.
Protein change: p.Arg411Gly; replaces arginine 411 with glycine.
Molecular consequence: missense variant. On other transcripts: non-coding transcript variant (1), intron variant (1).
Genome position (GRCh38, 1-based): chr22:29,673,377, C>G. VCF-style: chr22-29673377-C-G. GRCh37 (hg19) VCF-style: chr22-30069366-C-G.
Other names: c.1231C>G, p.Arg411Gly (NM_016418.5, NM_181825.3, NM_181832.3); c.1105C>G, p.Arg369Gly (NM_181828.3); c.1108C>G, p.Arg370Gly (NM_181829.3); c.982C>G, p.Arg328Gly (NM_181830.3, NM_181831.3); c.448-21375C>G (NM_181833.3); c.1231C>G (NM_000268.3); short protein forms R328G, R369G, R370G, R411G.
Identifiers: ClinVar variation 1398106 (VCV001398106.9), dbSNP rs773296925, ClinGen allele CA411148259.